The following is an entry in ClinVar:

ClinVar aggregate classification (germline): Pathogenic. Review status: criteria provided, multiple submitters, no conflicts (2 of 4 stars). 2 submissions from 2 submitters: Pathogenic (2). Last evaluated 2023-10-23.

Conditions:
Hereditary breast ovarian cancer syndrome. Also called: Hereditary breast and ovarian cancer; Hereditary breast and/or ovarian cancer syndrome; Breast and ovarian cancer; BRCA1- and BRCA2-Associated Hereditary Breast and Ovarian Cancer; Hereditary breast and ovarian cancer syndrome; Hereditary breast and ovarian cancer syndrome (HBOC). Identifiers: Orphanet 145, MedGen C0677776, MeSH D061325, MONDO:0003582. Disease mechanism: loss of function.
Breast-ovarian cancer, familial, susceptibility to, 2 (BROVCA2). Also called: BRCA2 Hereditary Breast and Ovarian Cancer. Identifiers: Orphanet 145, MedGen C2675520, MONDO:0012933, OMIM 612555. Disease mechanism: loss of function.

Submissions (2):

All of Us Research Program, National Institutes of Health
Classification: Pathogenic for Breast-ovarian cancer, familial, susceptibility to, 2. Last evaluated: 2023-10-23. Review status: criteria provided, single submitter. Criteria: ACMG Guidelines, 2015. Collection method: clinical testing. Allele origin: germline. Inheritance: Autosomal dominant inheritance. Observed: 1 variant allele, 1 heterozygote.
Comment: This variant changes 1 nucleotide in exon 25 of the BRCA2 gene, creating a premature translation stop signal. This variant is expected to result in an absent or non-functional protein product. To our knowledge, this variant has not been reported in individuals affected with BRCA2-related disorders in the literature. This variant has not been identified in the general population by the Genome Aggregation Database (gnomAD). Loss of BRCA2 function is a known mechanism of disease. Based on the available evidence, this variant is classified as Pathogenic.

This study involves interpretation of variants in research participants for the purpose of population health screening. Participant phenotype was not available at the time of variant classification. Additional details can be found in publication PMID: 35346344, PMCID: PMC8962531

Labcorp Genetics (formerly Invitae), Labcorp
Classification: Pathogenic for Hereditary breast ovarian cancer syndrome. Last evaluated: 2022-12-26. Review status: criteria provided, single submitter. Criteria: Invitae Variant Classification Sherloc (09022015). Collection method: clinical testing. Allele origin: germline.
Comment: This sequence change creates a premature translational stop signal (p.Lys3115*) in the BRCA2 gene. It is expected to result in an absent or disrupted protein product. Loss-of-function variants in BRCA2 are known to be pathogenic (PMID: 20104584). This variant is not present in population databases (gnomAD no frequency). This variant has not been reported in the literature in individuals affected with BRCA2-related conditions. For these reasons, this variant has been classified as Pathogenic.

Literature cited by the submitters: PubMed 20104584 (cited by Labcorp Genetics (formerly Invitae), Labcorp).

NM_000059.4(BRCA2):c.9343A>T (p.Lys3115Ter)

Gene: BRCA2 (BRCA2 DNA repair associated; plus strand). Cytogenetic location: 13q13.1.
Variant type: single nucleotide variant.
Coding change: c.9343A>T on transcript NM_000059.4 (MANE Select); coding-DNA position 9343, A replaced by T.
Protein change: p.Lys3115Ter; replaces lysine 3115 with a stop codon.
Molecular consequence: nonsense. On other transcripts: non-coding transcript variant (1).
Genome position (GRCh38, 1-based): chr13:32,394,775, A>T. VCF-style: chr13-32394775-A-T. GRCh37 (hg19) VCF-style: chr13-32968912-A-T.
Other names: c.9247A>T, p.Lys3083Ter (NM_001406719.1); c.9292A>T, p.Lys3098Ter (NM_001406720.1); c.4411A>T, p.Lys1471Ter (NM_001406721.1); c.2926A>T, p.Lys976Ter (NM_001406722.1); short protein forms K3083*, K3098*, K1471*, K3115*, K976*.
Identifiers: ClinVar variation 2824347 (VCV002824347.4), dbSNP rs2137652875, ClinGen allele CA387761058.